The following is an entry in ClinVar:

NM_001999.4(FBN2):c.3464A>G (p.Asn1155Ser)

Gene: FBN2 (fibrillin 2; minus strand). Cytogenetic location: 5q23.3.
Variant type: single nucleotide variant.
Coding change: c.3464A>G on transcript NM_001999.4 (MANE Select); coding-DNA position 3464, A replaced by G.
Protein change: p.Asn1155Ser; replaces asparagine 1155 with serine.
Molecular consequence: missense variant.
Genome position (GRCh38, 1-based): chr5:128,338,941, T>C on the plus strand (A>G on the coding strand, the complement: FBN2 is on the minus strand). VCF-style: chr5-128338941-T-C. GRCh37 (hg19) VCF-style: chr5-127674633-T-C.
Other names: short protein forms N1155S.
Identifiers: ClinVar variation 566529 (VCV000566529.16), dbSNP rs150224718, ClinGen allele CA3395236.

ClinVar aggregate classification (germline): Conflicting classifications of pathogenicity. Review status: criteria provided, conflicting classifications (1 of 4 stars). 5 submissions from 5 submitters: Uncertain significance (4); Benign (1). Last evaluated 2026-06-09.

Conditions:
Congenital contractural arachnodactyly (CCA). Also called: BEALS SYNDROME; Beals-Hecht syndrome; Arthrogryposis, distal, type 9. Identifiers: Orphanet 115, MedGen C0220668, MONDO:0007363, OMIM 121050.
Macular degeneration, early-onset (EOMD). Identifiers: MedGen C4015286, MONDO:0014501, OMIM 616118.
Familial thoracic aortic aneurysm and aortic dissection (TAAD). Also called: Thoracic aortic aneurysms and dissections. Identifiers: Orphanet 91387, MedGen C4707243, MONDO:0019625.

Allele frequency attached by ClinVar (database versions not stated): gnomAD exomes below 0.00001 and 0.00012; ExAC 0.00001; gnomAD 0.00002 and 0.00003; TOPMed 0.00003; ESP Exome Variant Server 0.00008; 1000 Genomes Project 30x 0.00016.
gnomAD v4.1: 174 of 1,614,054 alleles (0.011%); highest among the groups gnomAD compares: Non-Finnish European, 0.015%; no homozygotes.

Submissions (5):

Ambry Genetics
Classification: Uncertain significance for Familial thoracic aortic aneurysm and aortic dissection. Last evaluated: 2026-06-09. Review status: criteria provided, single submitter. Criteria: Ambry Variant Classification Scheme 2023. Collection method: clinical testing. Allele origin: germline.

Labcorp Genetics (formerly Invitae), Labcorp
Classification: Benign for Congenital contractural arachnodactyly. Last evaluated: 2026-01-02. Review status: criteria provided, single submitter. Criteria: Invitae Variant Classification Sherloc (09022015). Collection method: clinical testing. Allele origin: germline.

GeneDx
Classification: Uncertain significance. Last evaluated: 2024-11-11. Review status: criteria provided, single submitter. Criteria: GeneDx Variant Classification Process June 2021. Collection method: clinical testing. Allele origin: germline. Affected: yes.
Comment: Not observed at significant frequency in large population cohorts (gnomAD); In silico analysis supports that this missense variant has a deleterious effect on protein structure/function; Has not been previously published as pathogenic or benign to our knowledge

Blueprint Genetics
Classification: Uncertain significance. Last evaluated: 2023-03-09. Review status: criteria provided, single submitter. Criteria: ACMG Guidelines, 2015. Collection method: clinical testing. Allele origin: germline.

Fulgent Genetics
Classification: Uncertain significance for Congenital contractural arachnodactyly; Macular degeneration, early-onset. Last evaluated: 2021-08-09. Review status: criteria provided, single submitter. Criteria: ACMG Guidelines, 2015. Collection method: clinical testing. Allele origin: unknown.